The following is an entry in ClinVar:

NM_201384.3(PLEC):c.6347G>T (p.Arg2116Leu)

Gene: PLEC (plectin; minus strand). Cytogenetic location: 8q24.3.
Variant type: single nucleotide variant.
Coding change: c.6347G>T on transcript NM_201384.3 (MANE Select); coding-DNA position 6347, G replaced by T.
Protein change: p.Arg2116Leu; replaces arginine 2116 with leucine.
Molecular consequence: missense variant. On other transcripts: intron variant (1).
Genome position (GRCh38, 1-based): chr8:143,923,582, C>A on the plus strand (G>T on the coding strand, the complement: PLEC is on the minus strand). VCF-style: chr8-143923582-C-A. GRCh37 (hg19) VCF-style: chr8-144997750-C-A.
Other names: c.6428G>T, p.Arg2143Leu (NM_000445.5); c.6305G>T, p.Arg2102Leu (NM_201378.4); c.6281G>T, p.Arg2094Leu (NM_201379.3); c.6758G>T, p.Arg2253Leu (NM_201380.4); c.6251G>T, p.Arg2084Leu (NM_201381.3); c.6347G>T, p.Arg2116Leu (NM_201382.4); c.6359G>T, p.Arg2120Leu (NM_201383.3); c.4126-1187G>T (NM_001410941.1); short protein forms R2116L, R2253L, R2094L, R2143L, R2084L, R2102L, R2120L.
Identifiers: ClinVar variation 4984990 (VCV004984990.1).
Genomic context (GRCh38, chr8:143,923,582, plus strand): 5'-TCTGCAGCCGCCTGTGCCTGAGCCCGGGCCTGTGCCTGCTCCTCTGCCGACTGCTTCAGC[C>A]GCTCGGCCTCTTCCACCTGCCGCCGGGACTGCGCCGCCTCACGCTCCGCCTGCACCCGGG-3'
Protein context (NP_958786.1, residues 2106-2126): QSRRQVEEAE[Arg2116Leu]LKQSAEEQAQ

ClinVar aggregate classification (germline): Uncertain significance (1 of 4 stars; one submission).

Conditions:
PLEC-related disorder. Also called: PLEC-related condition; PLEC-related disorders.

gnomAD v4.1: 1 of 1,595,646 alleles (0.000063%); highest among the groups gnomAD compares: Admixed American, 0.0017%; no homozygotes.

Submission:

PreventionGenetics, part of Exact Sciences
Classification: Uncertain significance for PLEC-related condition. Last evaluated: 2026-02-20. Review status: criteria provided, single submitter. Criteria: ACMG Guidelines, 2015. Collection method: clinical testing. Allele origin: germline.
Comment: The PLEC c.6428G>T variant is predicted to result in the amino acid substitution p.Arg2143Leu. To our knowledge, this variant has not been reported in the literature. This variant is reported in 0.0030% of alleles in individuals of Latino descent in gnomAD. At this time, the clinical significance of this variant is uncertain due to the absence of conclusive functional and genetic evidence.